The following is an entry in ClinVar:

NM_182931.3(KMT2E):c.3728G>T (p.Ser1243Ile)

Gene: KMT2E (lysine methyltransferase 2E (inactive); plus strand). Cytogenetic location: 7q22.3.
Variant type: single nucleotide variant.
Coding change: c.3728G>T on transcript NM_182931.3 (MANE Select); coding-DNA position 3728, G replaced by T.
Protein change: p.Ser1243Ile; replaces serine 1243 with isoleucine.
Molecular consequence: missense variant.
Genome position (GRCh38, 1-based): chr7:105,109,201, G>T. VCF-style: chr7-105109201-G-T. GRCh37 (hg19) VCF-style: chr7-104749648-G-T.
Other names: c.3728G>T, p.Ser1243Ile (NM_001410908.1, NM_018682.4); short protein forms S1243I.
Identifiers: ClinVar variation 3681113 (VCV003681113.3).

ClinVar aggregate classification (germline): Uncertain significance. Review status: criteria provided, multiple submitters, no conflicts (2 of 4 stars). 2 submissions from 2 submitters: Uncertain significance (2). Last evaluated 2024-03-07.

Submissions (2):

Labcorp Genetics (formerly Invitae), Labcorp
Classification: Uncertain significance. Last evaluated: 2024-03-07. Review status: criteria provided, single submitter. Criteria: Invitae Variant Classification Sherloc (09022015). Collection method: clinical testing. Allele origin: germline.
Comment: This sequence change replaces serine, which is neutral and polar, with isoleucine, which is neutral and non-polar, at codon 1243 of the KMT2E protein (p.Ser1243Ile). This variant is present in population databases (no rsID available, gnomAD 0.003%). This variant has not been reported in the literature in individuals affected with KMT2E-related conditions. Advanced modeling of protein sequence and biophysical properties (such as structural, functional, and spatial information, amino acid conservation, physicochemical variation, residue mobility, and thermodynamic stability) performed at Invitae indicates that this missense variant is not expected to disrupt KMT2E protein function with a negative predictive value of 80%. In summary, the available evidence is currently insufficient to determine the role of this variant in disease. Therefore, it has been classified as a Variant of Uncertain Significance.

Blueprint Genetics
Classification: Uncertain significance. Last evaluated: 2023-02-16. Review status: criteria provided, single submitter. Criteria: ACMG Guidelines, 2015. Collection method: clinical testing. Allele origin: germline.